The following is an entry in ClinVar:

NM_005245.4(FAT1):c.6903T>C (p.Ser2301=)

Gene: FAT1 (FAT atypical cadherin 1; minus strand). Cytogenetic location: 4q35.2.
Variant type: single nucleotide variant.
Coding change: c.6903T>C on transcript NM_005245.4 (MANE Select); coding-DNA position 6903, T replaced by C.
Protein change: p.Ser2301=; no amino-acid change (serine 2301 retained).
Molecular consequence: synonymous variant.
Genome position (GRCh38, 1-based): chr4:186,619,683, A>G on the plus strand (T>C on the coding strand, the complement: FAT1 is on the minus strand). VCF-style: chr4-186619683-A-G. GRCh37 (hg19) VCF-style: chr4-187540837-A-G.
Identifiers: ClinVar variation 3054134 (VCV003054134.2), dbSNP rs1415620783, ClinGen allele CA442893376.
Genomic context (GRCh38, chr4:186,619,683, plus strand): 5'-CTGGTATGAGATTCCTCTATTTGGTTCTGAATCAGAATCGGTGGCTCTAACTTGAACAAC[A>G]GACGTTCCAATTACAGATGCCTCAGACAGGGTCACCGCATAAGACTGCTGAGCAAACACA-3'
Protein context (NP_005236.2, residues 2291-2311): TLSEASVIGT[Ser2301=]VVQVRATDSD

ClinVar aggregate classification (germline): Likely benign (0 of 4 stars; one submission).

Conditions:
FAT1-related disorder. Also called: FAT1-related condition.

Allele frequency attached by ClinVar (database versions not stated): TOPMed 0.00002; gnomAD 0.00003; gnomAD exomes 0.00006.
gnomAD v4.1: 87 of 1,613,920 alleles (0.0054%); highest among the groups gnomAD compares: Non-Finnish European, 0.0069%; no homozygotes.

Submission:

PreventionGenetics, part of Exact Sciences
Classification: Likely benign for FAT1-related condition. Last evaluated: 2022-02-23. Review status: no assertion criteria provided. Collection method: clinical testing. Allele origin: germline.
Comment: This variant is classified as likely benign based on ACMG/AMP sequence variant interpretation guidelines (Richards et al. 2015 PMID: 25741868, with internal and published modifications).